The following is an entry in ClinVar:

NM_001242896.3(DEPDC5):c.3029C>T (p.Thr1010Ile)

Gene: DEPDC5 (DEP domain containing 5, GATOR1 subcomplex subunit; plus strand). Cytogenetic location: 22q12.3.
Variant type: single nucleotide variant.
Coding change: c.3029C>T on transcript NM_001242896.3 (MANE Select); coding-DNA position 3029, C replaced by T.
Protein change: p.Thr1010Ile; replaces threonine 1010 with isoleucine.
Molecular consequence: missense variant. On other transcripts: non-coding transcript variant (5).
Genome position (GRCh38, 1-based): chr22:31,846,841, C>T. VCF-style: chr22-31846841-C-T. GRCh37 (hg19) VCF-style: chr22-32242827-C-T.
Other names: c.3002C>T, p.Thr1001Ile (NM_001136029.4, NM_001369903.1, NM_014662.6); c.2795C>T, p.Thr932Ile (NM_001242897.2, NM_001363854.2, NM_001364319.2); c.3029C>T, p.Thr1010Ile (NM_001363852.2, NM_001364318.2, NM_001364320.2); c.2945C>T, p.Thr982Ile (NM_001369901.1, NM_001369902.1); short protein forms T1001I, T1010I, T932I, T982I.
Identifiers: ClinVar variation 1716371 (VCV001716371.5), dbSNP rs1331382107, ClinGen allele CA411291891.

ClinVar aggregate classification (germline): Uncertain significance (1 of 4 stars; one submission).

Conditions:
Familial focal epilepsy with variable foci (FPEVF). Identifiers: Orphanet 98820, MedGen C1858477, MONDO:0020310.

Allele frequency attached by ClinVar (database versions not stated): TOPMed 0.00003.

Submission:

Labcorp Genetics (formerly Invitae), Labcorp
Classification: Uncertain significance for Familial focal epilepsy with variable foci. Last evaluated: 2022-08-13. Review status: criteria provided, single submitter. Criteria: Invitae Variant Classification Sherloc (09022015). Collection method: clinical testing. Allele origin: germline.
Comment: This sequence change replaces threonine, which is neutral and polar, with isoleucine, which is neutral and non-polar, at codon 1010 of the DEPDC5 protein (p.Thr1010Ile). In summary, the available evidence is currently insufficient to determine the role of this variant in disease. Therefore, it has been classified as a Variant of Uncertain Significance. Algorithms developed to predict the effect of missense changes on protein structure and function are either unavailable or do not agree on the potential impact of this missense change (SIFT: "Deleterious"; PolyPhen-2: "Not Available"; Align-GVGD: "Class C0"). This variant has not been reported in the literature in individuals affected with DEPDC5-related conditions. This variant is not present in population databases (gnomAD no frequency).